The following is an entry in ClinVar:

ClinVar aggregate classification (germline): Uncertain significance. Review status: criteria provided, single submitter (1 of 4 stars). 2 submissions from 2 submitters: Uncertain significance (1). 1 of the submissions does not count toward it. Last evaluated 2024-01-20.

Conditions:
Cystic fibrosis (CF). Also called: MUCOVISCIDOSIS. Identifiers: Orphanet 586, MedGen C0010674, MONDO:0009061, OMIM 219700. Disease mechanism: loss of function.
CFTR-related disorder (CFTR-RD). Also called: CFTR-related disorders; CFTR-related condition. Identifiers: MedGen C5924204, MONDO:7770004.

gnomAD v4.1: 18 of 1,613,520 alleles (0.0011%); highest among the groups gnomAD compares: South Asian, 0.0022%; no homozygotes.

Submissions (2):

Labcorp Genetics (formerly Invitae), Labcorp
Classification: Uncertain significance for Cystic fibrosis. Last evaluated: 2024-01-20. Review status: criteria provided, single submitter. Criteria: Invitae Variant Classification Sherloc (09022015). Collection method: clinical testing. Allele origin: germline.
Comment: This sequence change replaces histidine, which is basic and polar, with arginine, which is basic and polar, at codon 1197 of the CFTR protein (p.His1197Arg). This variant is not present in population databases (gnomAD no frequency). This variant has not been reported in the literature in individuals affected with CFTR-related conditions. ClinVar contains an entry for this variant (Variation ID: 1037208). Advanced modeling of protein sequence and biophysical properties (such as structural, functional, and spatial information, amino acid conservation, physicochemical variation, residue mobility, and thermodynamic stability) performed at Invitae indicates that this missense variant is expected to disrupt CFTR protein function with a positive predictive value of 80%. In summary, the available evidence is currently insufficient to determine the role of this variant in disease. Therefore, it has been classified as a Variant of Uncertain Significance.

Natera, Inc.
Classification: Uncertain significance for CFTR-related disorders. Last evaluated: 2019-02-27. Review status: no assertion criteria provided. Collection method: clinical testing. Allele origin: germline. Not counted in ClinVar's aggregate classification.

NM_000492.4(CFTR):c.3590A>G (p.His1197Arg)

Genes: CFTR (CF transmembrane conductance regulator; plus strand), CFTR-AS2 (CFTR antisense RNA 2; minus strand). Cytogenetic location: 7q31.2.
Variant type: single nucleotide variant.
Coding change: c.3590A>G on transcript NM_000492.4 (MANE Select); coding-DNA position 3590, A replaced by G.
Protein change: p.His1197Arg; replaces histidine 1197 with arginine.
Molecular consequence: missense variant.
Genome position (GRCh38, 1-based): chr7:117,627,643, A>G. VCF-style: chr7-117627643-A-G. GRCh37 (hg19) VCF-style: chr7-117267697-A-G.
Other names: short protein forms H1197R.
Identifiers: ClinVar variation 1037208 (VCV001037208.6), dbSNP rs765133036, ClinGen allele CA4451502.